The following is an entry in ClinVar:

ClinVar aggregate classification (germline): Likely benign. Review status: criteria provided, multiple submitters, no conflicts (2 of 4 stars). 3 submissions from 3 submitters: Likely benign (2). 1 of the submissions does not count toward it. Last evaluated 2026-01-19.

Conditions:
CAD-related disorder. Also called: CAD-related condition.

Allele frequency attached by ClinVar (database versions not stated): 1000 Genomes Project 30x 0.00016; gnomAD exomes 0.00017 and 0.00020; 1000 Genomes Project 0.00020; gnomAD 0.00011; ExAC 0.00013; TOPMed 0.00015.
gnomAD v4.1: 319 of 1,614,192 alleles (0.02%); highest among the groups gnomAD compares: Admixed American, 0.047%; no homozygotes.

Submissions (3):

Labcorp Genetics (formerly Invitae), Labcorp
Classification: Likely benign. Last evaluated: 2026-01-19. Review status: criteria provided, single submitter. Criteria: Invitae Variant Classification Sherloc (09022015). Collection method: clinical testing. Allele origin: germline.

CeGaT Center for Human Genetics Tuebingen
Classification: Likely benign. Last evaluated: 2025-03-01. Review status: criteria provided, single submitter. Criteria: CeGaT Center For Human Genetics Tuebingen Variant Classification Criteria Version 2. Collection method: clinical testing. Allele origin: germline. Affected: yes. Observed: 2 variant alleles.
Comment: CAD: BP4, BP7

PreventionGenetics, part of Exact Sciences
Classification: Likely benign for CAD-related condition. Last evaluated: 2019-06-10. Review status: no assertion criteria provided. Collection method: clinical testing. Allele origin: germline. Not counted in ClinVar's aggregate classification.
Comment: This variant is classified as likely benign based on ACMG/AMP sequence variant interpretation guidelines (Richards et al. 2015 PMID: 25741868, with internal and published modifications).

NM_004341.5(CAD):c.1158C>T (p.Pro386=)

Gene: CAD (carbamoyl-phosphate synthetase 2, aspartate transcarbamylase, and dihydroorotase; plus strand). Cytogenetic location: 2p23.3.
Variant type: single nucleotide variant.
Coding change: c.1158C>T on transcript NM_004341.5 (MANE Select); coding-DNA position 1158, C replaced by T.
Protein change: p.Pro386=; no amino-acid change (proline 386 retained).
Molecular consequence: synonymous variant.
Genome position (GRCh38, 1-based): chr2:27,224,394, C>T. VCF-style: chr2-27224394-C-T. GRCh37 (hg19) VCF-style: chr2-27447262-C-T.
Other names: c.1158C>T, p.Pro386= (NM_001306079.2).
Identifiers: ClinVar variation 726316 (VCV000726316.40), dbSNP rs541054613, ClinGen allele CA1572635.
Genomic context (GRCh38, chr2:27,224,394, plus strand): 5'-TGCTTCCACAGTTAGAGAGCGGCTGACTGAGCGCCTCTGTCCCCCTGGGATTCCCACTCC[C>T]GGCTCTGGACTTCCACCACCACGAAAGGTTCTGATCCTGGGCTCAGGGGGCCTCTCCATT-3'
Protein context (NP_004332.2, residues 376-396): ERLCPPGIPT[Pro386=]GSGLPPPRKV